The following is an entry in ClinVar:

ClinVar aggregate classification (germline): Uncertain significance (1 of 4 stars; one submission).

gnomAD v4.1: 1 of 1,614,090 alleles (0.000062%); highest among the groups gnomAD compares: African/African-American, 0.0013%; no homozygotes.

Submission:

Labcorp Genetics (formerly Invitae), Labcorp
Classification: Uncertain significance. Last evaluated: 2022-03-09. Review status: criteria provided, single submitter. Criteria: Invitae Variant Classification Sherloc (09022015). Collection method: clinical testing. Allele origin: germline.
Comment: This sequence change replaces alanine, which is neutral and non-polar, with aspartic acid, which is acidic and polar, at codon 443 of the CDHR1 protein (p.Ala443Asp). In summary, the available evidence is currently insufficient to determine the role of this variant in disease. Therefore, it has been classified as a Variant of Uncertain Significance. Advanced modeling of protein sequence and biophysical properties (such as structural, functional, and spatial information, amino acid conservation, physicochemical variation, residue mobility, and thermodynamic stability) performed at Invitae indicates that this missense variant is expected to disrupt CDHR1 protein function. This variant has not been reported in the literature in individuals affected with CDHR1-related conditions. This variant is present in population databases (no rsID available, gnomAD 0.01%).

NM_033100.4(CDHR1):c.1328C>A (p.Ala443Asp)

Gene: CDHR1 (cadherin related family member 1; plus strand). Cytogenetic location: 10q23.1.
Variant type: single nucleotide variant.
Coding change: c.1328C>A on transcript NM_033100.4 (MANE Select); coding-DNA position 1328, C replaced by A.
Protein change: p.Ala443Asp; replaces alanine 443 with aspartic acid.
Molecular consequence: missense variant.
Genome position (GRCh38, 1-based): chr10:84,211,008, C>A. VCF-style: chr10-84211008-C-A. GRCh37 (hg19) VCF-style: chr10-85970764-C-A.
Other names: c.1328C>A, p.Ala443Asp (NM_001171971.3); short protein forms A443D.
Identifiers: ClinVar variation 1496222 (VCV001496222.8), dbSNP rs147726523, ClinGen allele CA377376578.